The following is an entry in ClinVar:

NM_002890.3(RASA1):c.27G>T (p.Glu9Asp)

Gene: RASA1 (RAS p21 protein activator 1; plus strand). Cytogenetic location: 5q14.3.
Variant type: single nucleotide variant.
Coding change: c.27G>T on transcript NM_002890.3 (MANE Select); coding-DNA position 27, G replaced by T.
Protein change: p.Glu9Asp; replaces glutamic acid 9 with aspartic acid.
Molecular consequence: missense variant.
Genome position (GRCh38, 1-based): chr5:87,268,478, G>T. VCF-style: chr5-87268478-G-T. GRCh37 (hg19) VCF-style: chr5-86564295-G-T.
Other names: short protein forms E9D.
Identifiers: ClinVar variation 954857 (VCV000954857.12), dbSNP rs1205377315, ClinGen allele CA360416639.

ClinVar aggregate classification (germline): Uncertain significance. Review status: criteria provided, multiple submitters, no conflicts (2 of 4 stars). 2 submissions from 2 submitters: Uncertain significance (2). Last evaluated 2025-08-09.

Conditions:
Capillary malformation-arteriovenous malformation syndrome. Also called: Capillary malformation-arteriovenous malformation. Identifiers: Orphanet 137667, MedGen C1842180, MONDO:0012016.
Cardiovascular phenotype. Identifiers: MedGen CN230736.

Allele frequency attached by ClinVar (database versions not stated): TOPMed 0.00001.

Submissions (2):

Labcorp Genetics (formerly Invitae), Labcorp
Classification: Uncertain significance for Capillary malformation-arteriovenous malformation syndrome. Last evaluated: 2025-08-09. Review status: criteria provided, single submitter. Criteria: Invitae Variant Classification Sherloc (09022015). Collection method: clinical testing. Allele origin: germline.
Comment: This sequence change replaces glutamic acid, which is acidic and polar, with aspartic acid, which is acidic and polar, at codon 9 of the RASA1 protein (p.Glu9Asp). This variant is not present in population databases (gnomAD no frequency). This variant has not been reported in the literature in individuals affected with RASA1-related conditions. ClinVar contains an entry for this variant (Variation ID: 954857). An algorithm developed to predict the effect of missense changes on protein structure and function (PolyPhen-2) suggests that this variant is likely to be tolerated. In summary, the available evidence is currently insufficient to determine the role of this variant in disease. Therefore, it has been classified as a Variant of Uncertain Significance.

Ambry Genetics
Classification: Uncertain significance for Cardiovascular phenotype. Last evaluated: 2016-05-14. Review status: criteria provided, single submitter. Criteria: Ambry Variant Classification Scheme 2023. Collection method: clinical testing. Allele origin: germline.
Comment: The p.E9D variant (also known as c.27G>T), located in coding exon 1 of the RASA1 gene, results from a G to T substitution at nucleotide position 27. The glutamic acid at codon 9 is replaced by aspartic acid, an amino acid with highly similar properties. This variant was not reported in population based cohorts in the following databases: Database of Single Nucleotide Polymorphisms (dbSNP), NHLBI Exome Sequencing Project (ESP), and 1000 Genomes Project. In the ESP, this variant was not observed in 6085 samples (12170 alleles) with coverage at this position. This amino acid position is highly conserved in available vertebrate species. In addition, this alteration is predicted to be tolerated by in silico analysis. Since supporting evidence is limited at this time, the clinical significance of this variant remains unclear.